The following is an entry in ClinVar:

ClinVar aggregate classification (germline): Uncertain significance (1 of 4 stars; one submission).

Conditions:
Fibrous dysplasia of jaw (CRBM). Also called: Cherubism. Identifiers: Orphanet 184, MedGen C0008029, MONDO:0007315, OMIM 118400.

gnomAD v4.1: 3 of 1,614,026 alleles (0.00019%); highest among the groups gnomAD compares: Non-Finnish European, 0.00025%; no homozygotes.

Submission:

Labcorp Genetics (formerly Invitae), Labcorp
Classification: Uncertain significance for Fibrous dysplasia of jaw. Last evaluated: 2025-08-02. Review status: criteria provided, single submitter. Criteria: Invitae Variant Classification Sherloc (09022015). Collection method: clinical testing. Allele origin: germline.
Comment: This sequence change replaces tyrosine, which is neutral and polar, with cysteine, which is neutral and slightly polar, at codon 59 of the SH3BP2 protein (p.Tyr59Cys). This variant is present in population databases (no rsID available, gnomAD 0.0009%). This variant has not been reported in the literature in individuals affected with SH3BP2-related conditions. Invitae Evidence Modeling of protein sequence and biophysical properties (such as structural, functional, and spatial information, amino acid conservation, physicochemical variation, residue mobility, and thermodynamic stability) indicates that this missense variant is not expected to disrupt SH3BP2 protein function with a negative predictive value of 95%. In summary, the available evidence is currently insufficient to determine the role of this variant in disease. Therefore, it has been classified as a Variant of Uncertain Significance.

NM_001122681.2(SH3BP2):c.176A>G (p.Tyr59Cys)

Gene: SH3BP2 (SH3 domain binding protein 2; plus strand). Cytogenetic location: 4p16.3.
Variant type: single nucleotide variant.
Coding change: c.176A>G on transcript NM_001122681.2 (MANE Select); coding-DNA position 176, A replaced by G.
Protein change: p.Tyr59Cys; replaces tyrosine 59 with cysteine.
Molecular consequence: missense variant.
Genome position (GRCh38, 1-based): chr4:2,822,974, A>G. VCF-style: chr4-2822974-A-G. GRCh37 (hg19) VCF-style: chr4-2824701-A-G.
Other names: c.260A>G, p.Tyr87Cys (NM_001145855.2); c.347A>G, p.Tyr116Cys (NM_001145856.2); c.176A>G, p.Tyr59Cys (NM_003023.4); short protein forms Y116C, Y59C, Y87C.
Identifiers: ClinVar variation 4799324 (VCV004799324.1).